The following is an entry in ClinVar:

ClinVar aggregate classification (germline): Benign/Likely benign. Review status: criteria provided, multiple submitters, no conflicts (2 of 4 stars). 3 submissions from 3 submitters: Benign (2); Likely benign (1). Last evaluated 2023-02-01.

Allele frequency attached by ClinVar (database versions not stated): ESP Exome Variant Server 0.00064; 1000 Genomes Project 0.00080; gnomAD 0.00104 and 0.00107; 1000 Genomes Project 30x 0.00109; gnomAD exomes 0.00116 and 0.00151; TOPMed 0.00117; ExAC 0.00180.
gnomAD v4.1: 1,852 of 1,579,014 alleles (0.12%); highest among the groups gnomAD compares: Middle Eastern, 1.5%; 6 homozygotes.

Submissions (3):

CeGaT Center for Human Genetics Tuebingen
Classification: Likely benign. Last evaluated: 2023-02-01. Review status: criteria provided, single submitter. Criteria: CeGaT Center For Human Genetics Tuebingen Variant Classification Criteria Version 2. Collection method: clinical testing. Allele origin: germline. Affected: yes. Observed: 1 variant allele.
Comment: MIB2: BP4, BP7

Labcorp Genetics (formerly Invitae), Labcorp
Classification: Benign. Last evaluated: 2018-03-27. Review status: criteria provided, single submitter. Criteria: Invitae Variant Classification Sherloc (09022015). Collection method: clinical testing. Allele origin: germline.

Breakthrough Genomics
Classification: Benign. Review status: criteria provided, single submitter. Criteria: ACMG Guidelines, 2015. Collection method: not provided. Allele origin: germline. Inheritance: Unknown mechanism. Affected: yes.

NM_001170687.4(MIB2):c.777C>T (p.His259=)

Gene: MIB2 (MIB E3 ubiquitin protein ligase 2; plus strand). Cytogenetic location: 1p36.33.
Variant type: single nucleotide variant.
Coding change: c.777C>T on transcript NM_001170687.4 (MANE Select); coding-DNA position 777, C replaced by T.
Protein change: p.His259=; no amino-acid change (histidine 259 retained).
Molecular consequence: synonymous variant. On other transcripts: non-coding transcript variant (1).
Genome position (GRCh38, 1-based): chr1:1,625,341, C>T. VCF-style: chr1-1625341-C-T. GRCh37 (hg19) VCF-style: chr1-1560721-C-T.
Other names: c.777C>T, p.His259= (NM_001170686.4, NM_080875.5); c.582C>T, p.His194= (NM_001170688.2, NM_001170689.2).
Identifiers: ClinVar variation 709352 (VCV000709352.28), dbSNP rs375548963, ClinGen allele CA527502.